The following is an entry in ClinVar:

NM_002230.4(JUP):c.455A>G (p.Asn152Ser)

Gene: JUP (junction plakoglobin; minus strand). Cytogenetic location: 17q21.2.
Variant type: single nucleotide variant.
Coding change: c.455A>G on transcript NM_002230.4 (MANE Select); coding-DNA position 455, A replaced by G.
Protein change: p.Asn152Ser; replaces asparagine 152 with serine.
Molecular consequence: missense variant.
Genome position (GRCh38, 1-based): chr17:41,769,431, T>C on the plus strand (A>G on the coding strand, the complement: JUP is on the minus strand). VCF-style: chr17-41769431-T-C. GRCh37 (hg19) VCF-style: chr17-39925683-T-C.
Other names: c.455A>G, p.Asn152Ser (NM_001352773.2, NM_001352774.2, NM_001352775.2 and 3 more transcripts); short protein forms N152S.
Identifiers: ClinVar variation 644232 (VCV000644232.6), dbSNP rs1555605656, ClinGen allele CA399504811.

ClinVar aggregate classification (germline): Uncertain significance. Review status: criteria provided, multiple submitters, no conflicts (2 of 4 stars). 2 submissions from 2 submitters: Uncertain significance (2). Last evaluated 2026-03-21.

Conditions:
Cardiovascular phenotype. Identifiers: MedGen CN230736.
Naxos disease (NXD). Also called: KERATOSIS PALMOPLANTARIS WITH ARRHYTHMOGENIC CARDIOMYOPATHY; MAL DE NAXOS; PALMOPLANTAR KERATODERMA WITH ARRHYTHMOGENIC RIGHT VENTRICULAR CARDIOMYOPATHY AND WOOLLY HAIR; WOOLLY HAIR, PALMOPLANTAR KERATODERMA, AND CARDIAC ABNORMALITIES; CARDIOMYOPATHY, ARRHYTHMOGENIC RIGHT VENTRICULAR, WITH SKIN, HAIR, AND NAIL ABNORMALITIES. Identifiers: Orphanet 34217, MedGen C1832600, MONDO:0011017, OMIM 601214.
Arrhythmogenic right ventricular dysplasia 12. Also called: ARRHYTHMOGENIC RIGHT VENTRICULAR DYSPLASIA, FAMILIAL, 12. Identifiers: MedGen C1969081, MONDO:0012684, OMIM 611528.

Submissions (2):

Ambry Genetics
Classification: Uncertain significance for Cardiovascular phenotype. Last evaluated: 2026-03-21. Review status: criteria provided, single submitter. Criteria: Ambry Variant Classification Scheme 2023. Collection method: clinical testing. Allele origin: germline.
Comment: The p.N152S variant (also known as c.455A>G), located in coding exon 2 of the JUP gene, results from an A to G substitution at nucleotide position 455. The asparagine at codon 152 is replaced by serine, an amino acid with highly similar properties. This amino acid position is conserved. In addition, this alteration is predicted to be tolerated by in silico analysis. Based on the available evidence, the clinical significance of this variant remains unclear.

Labcorp Genetics (formerly Invitae), Labcorp
Classification: Uncertain significance for Arrhythmogenic right ventricular dysplasia 12; Naxos disease. Last evaluated: 2024-11-16. Review status: criteria provided, single submitter. Criteria: Invitae Variant Classification Sherloc (09022015). Collection method: clinical testing. Allele origin: germline.
Comment: This sequence change replaces asparagine, which is neutral and polar, with serine, which is neutral and polar, at codon 152 of the JUP protein (p.Asn152Ser). This variant is not present in population databases (gnomAD no frequency). This variant has not been reported in the literature in individuals affected with JUP-related conditions. ClinVar contains an entry for this variant (Variation ID: 644232). An algorithm developed to predict the effect of missense changes on protein structure and function (PolyPhen-2) suggests that this variant is likely to be tolerated. In summary, the available evidence is currently insufficient to determine the role of this variant in disease. Therefore, it has been classified as a Variant of Uncertain Significance.